The following is an entry in ClinVar:

NM_000302.4(PLOD1):c.353G>A (p.Arg118Gln)

Gene: PLOD1 (procollagen-lysine,2-oxoglutarate 5-dioxygenase 1; plus strand). Cytogenetic location: 1p36.22.
Variant type: single nucleotide variant.
Coding change: c.353G>A on transcript NM_000302.4 (MANE Select); coding-DNA position 353, G replaced by A.
Protein change: p.Arg118Gln; replaces arginine 118 with glutamine.
Molecular consequence: missense variant.
Genome position (GRCh38, 1-based): chr1:11,950,407, G>A. VCF-style: chr1-11950407-G-A. GRCh37 (hg19) VCF-style: chr1-12010464-G-A.
Other names: p.Arg118Gln; c.494G>A, p.Arg165Gln (NM_001316320.2); short protein forms R118Q, R165Q.
Identifiers: ClinVar variation 520118 (VCV000520118.12), dbSNP rs781455578, ClinGen allele CA597881.

ClinVar aggregate classification (germline): Uncertain significance. Review status: criteria provided, multiple submitters, no conflicts (2 of 4 stars). 3 submissions from 3 submitters: Uncertain significance (3). Last evaluated 2025-08-02.

Conditions:
Familial thoracic aortic aneurysm and aortic dissection (TAAD). Also called: Thoracic aortic aneurysms and dissections. Identifiers: Orphanet 91387, MedGen C4707243, MONDO:0019625.
Ehlers-Danlos syndrome, kyphoscoliotic type 1 (EDSKSCL1). Also called: EHLERS-DANLOS SYNDROME, OCULAR-SCOLIOTIC TYPE; Ehlers-Danlos syndrome, hydroxylysine-deficient; PLOD1-Related Kyphoscoliotic Ehlers-Danlos Syndrome; EHLERS-DANLOS SYNDROME, TYPE VIA. Identifiers: Orphanet 1900, MedGen C0268342, MONDO:0016002, OMIM 225400. Disease mechanism: loss of function.

Allele frequency attached by ClinVar (database versions not stated): gnomAD 0.00001; TOPMed 0.00001; ExAC 0.00003.
gnomAD v4.1: 13 of 1,613,984 alleles (0.00081%); highest among the groups gnomAD compares: African/African-American, 0.0027%; no homozygotes.

Submissions (3):

Mayo Clinic Laboratories, Mayo Clinic
Classification: Uncertain significance. Last evaluated: 2025-08-02. Review status: criteria provided, single submitter. Criteria: ACMG Guidelines, 2015. Collection method: clinical testing. Allele origin: germline. Observed: 1 variant allele.
Comment: BP4_moderate, PM2_supporting

Ambry Genetics
Classification: Uncertain significance for Familial thoracic aortic aneurysm and aortic dissection. Last evaluated: 2025-02-27. Review status: criteria provided, single submitter. Criteria: Ambry Variant Classification Scheme 2023. Collection method: clinical testing. Allele origin: germline.

Labcorp Genetics (formerly Invitae), Labcorp
Classification: Uncertain significance for Ehlers-Danlos syndrome, kyphoscoliotic type 1. Last evaluated: 2021-09-02. Review status: criteria provided, single submitter. Criteria: Invitae Variant Classification Sherloc (09022015). Collection method: clinical testing. Allele origin: germline.
Comment: This sequence change replaces arginine with glutamine at codon 118 of the PLOD1 protein (p.Arg118Gln). The arginine residue is weakly conserved and there is a small physicochemical difference between arginine and glutamine. This variant is present in population databases (rs781455578, ExAC 0.006%). This variant has not been reported in the literature in individuals affected with PLOD1-related conditions. ClinVar contains an entry for this variant (Variation ID: 520118). Algorithms developed to predict the effect of missense changes on protein structure and function output the following: SIFT: "Tolerated"; PolyPhen-2: "Benign"; Align-GVGD: "Class C0". The glutamine amino acid residue is found in multiple mammalian species, which suggests that this missense change does not adversely affect protein function. In summary, the available evidence is currently insufficient to determine the role of this variant in disease. Therefore, it has been classified as a Variant of Uncertain Significance.